The following is an entry in ClinVar:

NM_001035.3(RYR2):c.12583G>A (p.Asp4195Asn)

Genes: RYR2 (ryanodine receptor 2; plus strand), LOC126806068 (BRD4-independent group 4 enhancer GRCh37_chr1:237947411-237948610; plus strand). Cytogenetic location: 1q43.
Variant type: single nucleotide variant.
Coding change: c.12583G>A on transcript NM_001035.3 (MANE Select); coding-DNA position 12583, G replaced by A.
Protein change: p.Asp4195Asn; replaces aspartic acid 4195 with asparagine.
Molecular consequence: missense variant.
Genome position (GRCh38, 1-based): chr1:237,784,295, G>A. VCF-style: chr1-237784295-G-A. GRCh37 (hg19) VCF-style: chr1-237947595-G-A.
Other names: p.D4195N:GAC>AAC; c.12583G>A, p.Asp4195Asn (LRG_402t1); short protein forms D4195N.
Identifiers: ClinVar variation 201338 (VCV000201338.2), dbSNP rs794728791, ClinGen allele CA007613.

ClinVar aggregate classification (germline): Likely pathogenic (1 of 4 stars; one submission).

Submission:

GeneDx
Classification: Likely pathogenic. Last evaluated: 2013-08-14. Review status: criteria provided, single submitter. Criteria: GeneDx Variant Classification (06012015). Collection method: clinical testing. Allele origin: germline. Affected: yes.
Comment: p.Asp4195Asn (GAC>AAC): c.12583 G>A in exon 90 of the RYR2 gene (NM_001035.2). The Asp4195Asn variant in the RYR2 gene has not been reported as a disease-causing mutation or as a benign polymorphism to our knowledge. Asp4195Asn results in a semi-conservative amino acid substitution of negatively charged Aspartic acid with a neutral, polar Asparagine at a position that is conserved across species. In silico analysis predicts Asp4195Asn is damaging to the protein structure/function. Mutations in nearby residues (Glu4187Gln, Leu4188Pro, Thr4196Ala, Gln4201Arg) have been reported in association with arrhythmia, further supporting the functional importance of this region of the protein. Furthermore, the Asp4195Asn variant was not observed in approximately 6,000 individuals of European and African American ancestry in the NHLBI Exome Sequencing Project, indicating it is not a common benign variant in these populations. In summary, while Asp4195Asn is a good candidate for a disease-causing mutation, we cannot unequivocally determine the clinical significance of this variant. The variant is found in CPVT panel(s).